The following is an entry in ClinVar:

NM_001009944.3(PKD1):c.8324C>T (p.Thr2775Met)

Gene: PKD1 (polycystin 1, transient receptor potential channel interacting; minus strand). Cytogenetic location: 16p13.3.
Variant type: single nucleotide variant.
Coding change: c.8324C>T on transcript NM_001009944.3 (MANE Select); coding-DNA position 8324, C replaced by T.
Protein change: p.Thr2775Met; replaces threonine 2775 with methionine.
Molecular consequence: missense variant.
Genome position (GRCh38, 1-based): chr16:2,103,733, G>A on the plus strand (C>T on the coding strand, the complement: PKD1 is on the minus strand). VCF-style: chr16-2103733-G-A. GRCh37 (hg19) VCF-style: chr16-2153734-G-A.
Other names: c.8324C>T, p.Thr2775Met (NM_000296.4); c.8324C>T (NM_000296.3); short protein forms T2775M.
Identifiers: ClinVar variation 2580800 (VCV002580800.3), dbSNP rs186826765, ClinGen allele CA7830563.

ClinVar aggregate classification (germline): Uncertain significance. Review status: criteria provided, multiple submitters, no conflicts (2 of 4 stars). 2 submissions from 2 submitters: Uncertain significance (2). Last evaluated 2026-09-01.

Conditions:
Inborn genetic diseases. Identifiers: MedGen C0950123, MeSH D030342.

Allele frequency attached by ClinVar (database versions not stated): ExAC 0.00006; TOPMed 0.00017; gnomAD 0.00019; 1000 Genomes Project 30x 0.00016; 1000 Genomes Project 0.00020; ESP Exome Variant Server 0.00016.
gnomAD v4.1: 74 of 1,610,036 alleles (0.0046%); highest among the groups gnomAD compares: African/African-American, 0.067%; no homozygotes.

Submissions (2):

Ambry Genetics
Classification: Uncertain significance for Inborn genetic diseases. Last evaluated: 2026-09-01. Review status: criteria provided, single submitter. Criteria: Ambry Variant Classification Scheme 2023. Collection method: clinical testing. Allele origin: germline.

GeneDx
Classification: Uncertain significance. Last evaluated: 2023-03-20. Review status: criteria provided, single submitter. Criteria: GeneDx Variant Classification Process June 2021. Collection method: clinical testing. Allele origin: germline. Affected: yes.
Comment: In silico analysis supports that this missense variant does not alter protein structure/function; Has not been previously published as pathogenic or benign to our knowledge